The following is an entry in ClinVar:

ClinVar aggregate classification (germline): Uncertain significance (1 of 4 stars; one submission).

Conditions:
Lipoic acid synthetase deficiency. Also called: HYPERGLYCINEMIA, LACTIC ACIDOSIS, AND SEIZURES. Identifiers: Orphanet 401859, MedGen C3280887, MONDO:0013762, OMIM 614462.

Allele frequency attached by ClinVar (database versions not stated): ExAC 0.00001; gnomAD 0.00002; TOPMed 0.00002.
gnomAD v4.1: 5 of 1,612,776 alleles (0.00031%); highest among the groups gnomAD compares: African/African-American, 0.0067%; no homozygotes.

Submission:

Labcorp Genetics (formerly Invitae), Labcorp
Classification: Uncertain significance for Lipoic acid synthetase deficiency. Last evaluated: 2018-03-07. Review status: criteria provided, single submitter. Criteria: Invitae Variant Classification Sherloc (09022015). Collection method: clinical testing. Allele origin: germline.
Comment: In summary, the available evidence is currently insufficient to determine the role of this variant in disease. Therefore, it has been classified as a Variant of Uncertain Significance. Algorithms developed to predict the effect of missense changes on protein structure and function (SIFT, PolyPhen-2, Align-GVGD) all suggest that this variant is likely to be disruptive, but these predictions have not been confirmed by published functional studies and their clinical significance is uncertain. This variant has not been reported in the literature in individuals with LIAS-related disease. This variant is present in population databases (rs772011702, ExAC 0.01%). This sequence change replaces aspartic acid with histidine at codon 135 of the LIAS protein (p.Asp135His). The aspartic acid residue is highly conserved and there is a moderate physicochemical difference between aspartic acid and histidine.

NM_006859.4(LIAS):c.403G>C (p.Asp135His)

Gene: LIAS (lipoic acid synthetase; plus strand). Cytogenetic location: 4p14.
Variant type: single nucleotide variant.
Coding change: c.403G>C on transcript NM_006859.4 (MANE Select); coding-DNA position 403, G replaced by C.
Protein change: p.Asp135His; replaces aspartic acid 135 with histidine.
Molecular consequence: missense variant. On other transcripts: intron variant (1).
Genome position (GRCh38, 1-based): chr4:39,465,055, G>C. VCF-style: chr4-39465055-G-C. GRCh37 (hg19) VCF-style: chr4-39466675-G-C.
Other names: c.403G>C, p.Asp135His (NM_001278590.2, NM_194451.3); c.299+1450G>C (NM_001363700.2); short protein forms D135H.
Identifiers: ClinVar variation 576333 (VCV000576333.8), dbSNP rs772011702, ClinGen allele CA2894685.